The following is an entry in ClinVar:

NM_000038.6(APC):c.7932_7937del (p.Tyr2645_Gln2646del)

Gene: APC (APC regulator of Wnt signaling pathway; plus strand). Cytogenetic location: 5q22.2.
Variant type: Deletion.
Coding change: c.7932_7937del on transcript NM_000038.6 (MANE Select); coding-DNA positions 7932 to 7937, 6 bases deleted (TTATCA; older notation c.7932_7937delTTATCA).
Protein change: p.Tyr2645_Gln2646del.
Molecular consequence: inframe deletion. On other transcripts: inframe indel (20).
Genome position (GRCh38, 1-based): chr5:112,843,526-112,843,531, TTATCA deleted. VCF-style (leftmost placement, unchanged base first): chr5-112843525-TTTATCA-T. GRCh37 (hg19) VCF-style: chr5-112179222-TTTATCA-T.
Other names: c.7932_7937del, p.Tyr2645_Gln2646del (NM_001127510.3, NM_001354895.2); c.7878_7883del, p.Tyr2627_Gln2628del (NM_001127511.3); c.7986_7991del, p.Tyr2663_Gln2664del (NM_001354896.2); c.7962_7967del, p.Tyr2655_Gln2656del (NM_001354897.2); c.7857_7862del, p.Tyr2620_Gln2621del (NM_001354898.2); c.7848_7853del, p.Tyr2617_Gln2618del (NM_001354899.2); c.7809_7814del, p.Tyr2604_Gln2605del (NM_001354900.2); c.7755_7760del, p.Tyr2586_Gln2587del (NM_001354901.2); and 16 more.
Identifiers: ClinVar variation 1761294 (VCV001761294.2), dbSNP rs2533830803, ClinGen allele CA2580072443.

ClinVar aggregate classification (germline): Uncertain significance (1 of 4 stars; one submission).

Conditions:
Hereditary cancer-predisposing syndrome. Also called: Neoplastic Syndromes, Hereditary; Tumor predisposition; Hereditary Cancer Syndrome; Hereditary neoplastic syndrome. Identifiers: Orphanet 140162, MedGen C0027672, MeSH D009386, MONDO:0015356.

Submission:

Ambry Genetics
Classification: Uncertain significance for Hereditary cancer-predisposing syndrome. Last evaluated: 2020-10-30. Review status: criteria provided, single submitter. Criteria: Ambry Variant Classification Scheme 2023. Collection method: clinical testing. Allele origin: germline.
Comment: The c.7932_7937delTTATCA variant (also known as p.Y2645_Q2646del) is located in coding exon 15 of the APC gene. This variant results from an in-frame TTATCA deletion at nucleotide positions 7932 to 7937. This results in the in-frame deletion of two residues (YQ) at codons 2645 and 2646. This amino acid region is well conserved in available vertebrate species. In addition, this alteration is predicted to be neutral by in silico analysis (Choi Y et al. PLoS ONE. 2012; 7(10):e46688). Since supporting evidence is limited at this time, the clinical significance of this alteration remains unclear.